The following is an entry in ClinVar:

ClinVar aggregate classification (germline): Uncertain significance (1 of 4 stars; one submission).

Submission:

GeneDx
Classification: Uncertain significance. Last evaluated: 2019-12-10. Review status: criteria provided, single submitter. Criteria: GeneDx Variant Classification Process June 2021. Collection method: clinical testing. Allele origin: germline. Affected: yes.
Comment: Has not been previously published as pathogenic or benign to our knowledge; Not observed in large population cohorts (Lek et al., 2016); In silico analysis, which includes protein predictors and evolutionary conservation, supports a deleterious effect

NM_020971.3(SPTBN4):c.3938A>G (p.Asp1313Gly)

Gene: SPTBN4 (spectrin beta, non-erythrocytic 4; plus strand). Cytogenetic location: 19q13.2.
Variant type: single nucleotide variant.
Coding change: c.3938A>G on transcript NM_020971.3 (MANE Select); coding-DNA position 3938, A replaced by G.
Protein change: p.Asp1313Gly; replaces aspartic acid 1313 with glycine.
Molecular consequence: missense variant.
Genome position (GRCh38, 1-based): chr19:40,529,121, A>G. VCF-style: chr19-40529121-A-G. GRCh37 (hg19) VCF-style: chr19-41035028-A-G.
Other names: short protein forms D1313G.
Identifiers: ClinVar variation 1310477 (VCV001310477.2), dbSNP rs753623126, ClinGen allele CA405919176.